The following is an entry in ClinVar:

NM_152618.3(BBS12):c.1007C>A (p.Thr336Asn)

Gene: BBS12 (Bardet-Biedl syndrome 12; plus strand). Cytogenetic location: 4q27.
Variant type: single nucleotide variant.
Coding change: c.1007C>A on transcript NM_152618.3 (MANE Select); coding-DNA position 1007, C replaced by A.
Protein change: p.Thr336Asn; replaces threonine 336 with asparagine.
Molecular consequence: missense variant.
Genome position (GRCh38, 1-based): chr4:122,742,899, C>A. VCF-style: chr4-122742899-C-A. GRCh37 (hg19) VCF-style: chr4-123664054-C-A.
Other names: c.1007C>A, p.Thr336Asn (NM_001178007.2); short protein forms T336N.
Identifiers: ClinVar variation 2117434 (VCV002117434.4), dbSNP rs1800906108, ClinGen allele CA358224194.

ClinVar aggregate classification (germline): Uncertain significance (1 of 4 stars; one submission).

Conditions:
Bardet-Biedl syndrome (BBS). Identifiers: Orphanet 110, MedGen C0752166, MONDO:0015229.

Submission:

Labcorp Genetics (formerly Invitae), Labcorp
Classification: Uncertain significance for Bardet-Biedl syndrome. Last evaluated: 2023-12-07. Review status: criteria provided, single submitter. Criteria: Invitae Variant Classification Sherloc (09022015). Collection method: clinical testing. Allele origin: germline.
Comment: This sequence change replaces threonine, which is neutral and polar, with asparagine, which is neutral and polar, at codon 336 of the BBS12 protein (p.Thr336Asn). This variant is not present in population databases (gnomAD no frequency). This variant has not been reported in the literature in individuals affected with BBS12-related conditions. ClinVar contains an entry for this variant (Variation ID: 2117434). Advanced modeling of protein sequence and biophysical properties (such as structural, functional, and spatial information, amino acid conservation, physicochemical variation, residue mobility, and thermodynamic stability) performed at Invitae indicates that this missense variant is expected to disrupt BBS12 protein function with a positive predictive value of 80%. In summary, the available evidence is currently insufficient to determine the role of this variant in disease. Therefore, it has been classified as a Variant of Uncertain Significance.